The following is an entry in ClinVar:

NM_000256.3(MYBPC3):c.3466G>A (p.Glu1156Lys)

Gene: MYBPC3 (myosin binding protein C3; minus strand). Cytogenetic location: 11p11.2.
Variant type: single nucleotide variant.
Coding change: c.3466G>A on transcript NM_000256.3 (MANE Select); coding-DNA position 3466, G replaced by A.
Protein change: p.Glu1156Lys; replaces glutamic acid 1156 with lysine.
Molecular consequence: missense variant.
Genome position (GRCh38, 1-based): chr11:47,332,838, C>T on the plus strand (G>A on the coding strand, the complement: MYBPC3 is on the minus strand). VCF-style: chr11-47332838-C-T. GRCh37 (hg19) VCF-style: chr11-47354389-C-T.
Other names: c.3466G>A, p.Glu1156Lys (LRG_386t1); short protein forms E1156K.
Identifiers: ClinVar variation 454327 (VCV000454327.11), dbSNP rs1555120359, ClinGen allele CA380313142.

ClinVar aggregate classification (germline): Uncertain significance. Review status: criteria provided, multiple submitters, no conflicts (2 of 4 stars). 2 submissions from 2 submitters: Uncertain significance (2). Last evaluated 2025-05-05.

Conditions:
Hypertrophic cardiomyopathy. Also called: HYPERTROPHIC MYOCARDIOPATHY. Identifiers: Orphanet 217569, MedGen C0007194, MeSH D002312, MONDO:0005045, HP:0001639.
Cardiovascular phenotype. Identifiers: MedGen CN230736.

Allele frequency attached by ClinVar (database versions not stated): gnomAD exomes below 0.00001.
gnomAD v4.1: 1 of 1,607,546 alleles (0.000062%); highest among the groups gnomAD compares: Non-Finnish European, 0.000085%; no homozygotes.

Submissions (2):

Ambry Genetics
Classification: Uncertain significance for Cardiovascular phenotype. Last evaluated: 2025-05-05. Review status: criteria provided, single submitter. Criteria: Ambry Variant Classification Scheme 2023. Collection method: clinical testing. Allele origin: germline.

Labcorp Genetics (formerly Invitae), Labcorp
Classification: Uncertain significance for Hypertrophic cardiomyopathy. Last evaluated: 2024-11-18. Review status: criteria provided, single submitter. Criteria: Invitae Variant Classification Sherloc (09022015). Collection method: clinical testing. Allele origin: germline.
Comment: This sequence change replaces glutamic acid, which is acidic and polar, with lysine, which is basic and polar, at codon 1156 of the MYBPC3 protein (p.Glu1156Lys). This variant is not present in population databases (gnomAD no frequency). This variant has not been reported in the literature in individuals affected with MYBPC3-related conditions. ClinVar contains an entry for this variant (Variation ID: 454327). An algorithm developed to predict the effect of missense changes on protein structure and function (PolyPhen-2) suggests that this variant is likely to be tolerated. In summary, the available evidence is currently insufficient to determine the role of this variant in disease. Therefore, it has been classified as a Variant of Uncertain Significance.